The following is an entry in ClinVar:

NM_025009.5(CEP135):c.2802+4A>G

Gene: CEP135 (centrosomal protein 135; plus strand). Cytogenetic location: 4q12.
Variant type: single nucleotide variant.
Coding change: c.2802+4A>G on transcript NM_025009.5 (MANE Select); 4 bases into the intron after coding-DNA position 2802, A replaced by G.
Molecular consequence: intron variant.
Genome position (GRCh38, 1-based): chr4:56,011,989, A>G. VCF-style: chr4-56011989-A-G. GRCh37 (hg19) VCF-style: chr4-56878155-A-G.
Identifiers: ClinVar variation 1176478 (VCV001176478.38), dbSNP rs199594373, ClinGen allele CA2928247.

ClinVar aggregate classification (germline): Conflicting classifications of pathogenicity. Review status: criteria provided, conflicting classifications (1 of 4 stars). 2 submissions from 2 submitters: Uncertain significance (1); Likely benign (1). Last evaluated 2026-01-17.

Allele frequency attached by ClinVar (database versions not stated): 1000 Genomes Project 30x 0.00016; 1000 Genomes Project 0.00020; TOPMed 0.00042; ExAC 0.00046; ESP Exome Variant Server 0.00046; gnomAD exomes 0.00048 and 0.00057; gnomAD 0.00052 and 0.00054.
gnomAD v4.1: 853 of 1,487,386 alleles (0.057%); highest among the groups gnomAD compares: Non-Finnish European, 0.067%; 3 homozygotes.

Submissions (2):

Labcorp Genetics (formerly Invitae), Labcorp
Classification: Uncertain significance. Last evaluated: 2026-01-17. Review status: criteria provided, single submitter. Criteria: Invitae Variant Classification Sherloc (09022015). Collection method: clinical testing. Allele origin: germline.
Comment: This sequence change falls in intron 21 of the CEP135 gene. It does not directly change the encoded amino acid sequence of the CEP135 protein. It affects a nucleotide within the consensus splice site. This variant is present in population databases (rs199594373, gnomAD 0.08%), and has an allele count higher than expected for a pathogenic variant. This variant has not been reported in the literature in individuals affected with CEP135-related conditions. ClinVar contains an entry for this variant (Variation ID: 1176478). Variants that disrupt the consensus splice site are a relatively common cause of aberrant splicing (PMID: 17576681, 9536098). Algorithms developed to predict the effect of sequence changes on RNA splicing suggest that this variant is not likely to affect RNA splicing. In summary, the available evidence is currently insufficient to determine the role of this variant in disease. Therefore, it has been classified as a Variant of Uncertain Significance.

CeGaT Center for Human Genetics Tuebingen
Classification: Likely benign. Last evaluated: 2022-09-01. Review status: criteria provided, single submitter. Criteria: CeGaT Center For Human Genetics Tuebingen Variant Classification Criteria Version 2. Collection method: clinical testing. Allele origin: germline. Affected: yes. Observed: 3 variant alleles.
Comment: CEP135: BP4

Literature cited by the submitters: PubMed 17576681 (cited by Labcorp Genetics (formerly Invitae), Labcorp); PubMed 9536098 (cited by Labcorp Genetics (formerly Invitae), Labcorp).